The following is an entry in ClinVar:

NM_000512.5(GALNS):c.1024A>T (p.Ile342Phe)

Gene: GALNS (galactosamine (N-acetyl)-6-sulfatase; minus strand). Cytogenetic location: 16q24.3.
Variant type: single nucleotide variant.
Coding change: c.1024A>T on transcript NM_000512.5 (MANE Select); coding-DNA position 1024, A replaced by T.
Protein change: p.Ile342Phe; replaces isoleucine 342 with phenylalanine.
Molecular consequence: missense variant.
Genome position (GRCh38, 1-based): chr16:88,826,817, T>A on the plus strand (A>T on the coding strand, the complement: GALNS is on the minus strand). VCF-style: chr16-88826817-T-A. GRCh37 (hg19) VCF-style: chr16-88893225-T-A.
Other names: c.469A>T, p.Ile157Phe (NM_001323543.2); c.1042A>T, p.Ile348Phe (NM_001323544.2); short protein forms I157F, I342F, I348F.
Identifiers: ClinVar variation 3637118 (VCV003637118.2).
Genomic context (GRCh38, chr16:88,826,817, plus strand): 5'-CCCTGTCGCTGGGCGGCGTCAGGCCCGCAAGGGCCAGGCTGGTGGTGAAGAGGTCCATGA[T>A]GCTGCCCAGCTGGTGGCTCACCTGAAACACATGGCAGCAACACGGTCAGGGCACTCTGCA-3'
Protein context (NP_000503.1, residues 332-352): AGQVSHQLGS[Ile342Phe]MDLFTTSLAL

ClinVar aggregate classification (germline): Uncertain significance (1 of 4 stars; one submission).

Conditions:
Mucopolysaccharidosis, MPS-IV-A (MPS4A). Also called: Morquio syndrome A, mild; MORQUIO SYNDROME A; GALACTOSAMINE-6-SULFATASE DEFICIENCY; GALNS DEFICIENCY; MORQUIO A DISEASE; Mucopolysaccharidosis type IV A. Identifiers: Orphanet 309297, Orphanet 582, MedGen C0086651, MONDO:0009659, OMIM 253000.

Submission:

Labcorp Genetics (formerly Invitae), Labcorp
Classification: Uncertain significance for Mucopolysaccharidosis, MPS-IV-A. Last evaluated: 2024-05-04. Review status: criteria provided, single submitter. Criteria: Invitae Variant Classification Sherloc (09022015). Collection method: clinical testing. Allele origin: germline.
Comment: This sequence change replaces isoleucine, which is neutral and non-polar, with phenylalanine, which is neutral and non-polar, at codon 342 of the GALNS protein (p.Ile342Phe). This variant is not present in population databases (gnomAD no frequency). This variant has not been reported in the literature in individuals affected with GALNS-related conditions. Advanced modeling of protein sequence and biophysical properties (such as structural, functional, and spatial information, amino acid conservation, physicochemical variation, residue mobility, and thermodynamic stability) has been performed at Invitae for this missense variant, however the output from this modeling did not meet the statistical confidence thresholds required to predict the impact of this variant on GALNS protein function. In summary, the available evidence is currently insufficient to determine the role of this variant in disease. Therefore, it has been classified as a Variant of Uncertain Significance.